The following is an entry in ClinVar:

NM_001130009.3(GEN1):c.657A>C (p.Lys219Asn)

Gene: GEN1 (GEN1 structure-specific endonuclease; plus strand). Cytogenetic location: 2p24.2.
Variant type: single nucleotide variant.
Coding change: c.657A>C on transcript NM_001130009.3 (MANE Select); coding-DNA position 657, A replaced by C.
Protein change: p.Lys219Asn; replaces lysine 219 with asparagine.
Molecular consequence: missense variant.
Genome position (GRCh38, 1-based): chr2:17,768,758, A>C. VCF-style: chr2-17768758-A-C. GRCh37 (hg19) VCF-style: chr2-17950025-A-C.
Other names: c.657A>C, p.Lys219Asn (NM_182625.5); short protein forms K219N.
Identifiers: ClinVar variation 2217518 (VCV002217518.6), dbSNP rs777457040, ClinGen allele CA1540504.

ClinVar aggregate classification (germline): Uncertain significance. Review status: criteria provided, multiple submitters, no conflicts (2 of 4 stars). 2 submissions from 2 submitters: Uncertain significance (2). Last evaluated 2025-02-08.

Allele frequency attached by ClinVar (database versions not stated): ExAC 0.00001; gnomAD exomes below 0.00001; TOPMed 0.00001; gnomAD 0.00002.
gnomAD v4.1: 9 of 1,611,276 alleles (0.00056%); highest among the groups gnomAD compares: African/African-American, 0.0013%; no homozygotes.

Submissions (2):

Labcorp Genetics (formerly Invitae), Labcorp
Classification: Uncertain significance. Last evaluated: 2025-02-08. Review status: criteria provided, single submitter. Criteria: Invitae Variant Classification Sherloc (09022015). Collection method: clinical testing. Allele origin: germline.
Comment: This sequence change replaces lysine, which is basic and polar, with asparagine, which is neutral and polar, at codon 219 of the GEN1 protein (p.Lys219Asn). This variant is present in population databases (rs777457040, gnomAD 0.002%). This variant has not been reported in the literature in individuals affected with GEN1-related conditions. ClinVar contains an entry for this variant (Variation ID: 2217518). An algorithm developed to predict the effect of missense changes on protein structure and function (PolyPhen-2) suggests that this variant is likely to be disruptive. In summary, the available evidence is currently insufficient to determine the role of this variant in disease. Therefore, it has been classified as a Variant of Uncertain Significance.

Ambry Genetics
Classification: Uncertain significance. Last evaluated: 2024-11-25. Review status: criteria provided, single submitter. Criteria: Ambry Variant Classification Scheme 2023. Collection method: clinical testing. Allele origin: germline.
Comment: The p.K219N variant (also known as c.657A>C), located in coding exon 5 of the GEN1 gene, results from an A to C substitution at nucleotide position 657. The lysine at codon 219 is replaced by asparagine, an amino acid with similar properties. This amino acid position is conserved. In addition, this alteration is predicted to be tolerated by in silico analysis. Based on the available evidence, the clinical significance of this variant remains unclear.